The following is an entry in ClinVar:

NM_003072.5(SMARCA4):c.3653C>T (p.Ala1218Val)

Gene: SMARCA4 (SWI/SNF related BAF chromatin remodeling complex subunit ATPase 4; plus strand). Cytogenetic location: 19p13.2.
Variant type: single nucleotide variant.
Coding change: c.3653C>T on transcript NM_003072.5 (MANE Select); coding-DNA position 3653, C replaced by T.
Protein change: p.Ala1218Val; replaces alanine 1218 with valine.
Molecular consequence: missense variant. On other transcripts: non-coding transcript variant (1).
Genome position (GRCh38, 1-based): chr19:11,033,396, C>T. VCF-style: chr19-11033396-C-T. GRCh37 (hg19) VCF-style: chr19-11144072-C-T.
Other names: c.3653C>T, p.Ala1218Val (NM_001128844.3, NM_001128845.2, NM_001128846.2 and 5 more transcripts); short protein forms A1218V.
Identifiers: ClinVar variation 1702820 (VCV001702820.3), dbSNP rs2146651360, ClinGen allele CA404065616.
Genomic context (GRCh38, chr19:11,033,396, plus strand): 5'-AGGTGCGTGTGCTCCGCCTCTGCACCGTCAACAGCGTGGAGGAGAAGATCCTAGCTGCAG[C>T]CAAGTACAAGCTCAACGTGGACCAGAAGGTGATCCAGGCCGGCATGTTCGACCAGAAGTC-3'
Protein context (NP_003063.2, residues 1208-1228): NSVEEKILAA[Ala1218Val]KYKLNVDQKV

ClinVar aggregate classification (germline): Uncertain significance (1 of 4 stars; one submission).

Submission:

GeneDx
Classification: Uncertain significance. Last evaluated: 2026-08-07. Review status: criteria provided, single submitter. Criteria: GeneDx Variant Classification Process June 2021. Collection method: clinical testing. Allele origin: germline.
Comment: Not observed at significant frequency in large population cohorts (gnomAD); In silico analysis supports that this missense variant has a deleterious effect on protein structure/function; Has not been previously published as pathogenic or benign to our knowledge